The following is an entry in ClinVar:

NM_206933.4(USH2A):c.11864_11866dup (p.Trp3955_Ser3956insTrp)

Gene: USH2A (usherin; minus strand). Cytogenetic location: 1q41.
Variant type: Duplication.
Coding change: c.11864_11866dup on transcript NM_206933.4 (MANE Select); coding-DNA positions 11864 to 11866, 3 bases duplicated (GGT; older notation c.11864_11866dupGGT).
Protein change: p.Trp3955_Ser3956insTrp.
Molecular consequence: inframe insertion.
Genome position (GRCh38, 1-based): chr1:215,728,230-215,728,232, ACC duplicated on the plus strand (GGT on the coding strand, the reverse complement: USH2A is on the minus strand); duplicating any 3 consecutive bases within chr1:215,728,230-215,728,234 gives the same sequence; the c. name uses the placement nearest the transcript's 3' end. VCF-style (leftmost placement, unchanged base first): chr1-215728229-G-GACC. GRCh37 (hg19) VCF-style: chr1-215901571-G-GACC.
Identifiers: ClinVar variation 2810113 (VCV002810113.3), dbSNP rs2465049958, ClinGen allele CA2739275628.

ClinVar aggregate classification (germline): Uncertain significance (1 of 4 stars; one submission).

Submission:

Labcorp Genetics (formerly Invitae), Labcorp
Classification: Uncertain significance. Last evaluated: 2022-10-27. Review status: criteria provided, single submitter. Criteria: Invitae Variant Classification Sherloc (09022015). Collection method: clinical testing. Allele origin: germline.
Comment: In summary, the available evidence is currently insufficient to determine the role of this variant in disease. Therefore, it has been classified as a Variant of Uncertain Significance. This variant has not been reported in the literature in individuals affected with USH2A-related conditions. This variant is not present in population databases (gnomAD no frequency). This variant, c.11864_11866dup, results in the insertion of 1 amino acid(s) of the USH2A protein (p.Trp3955dup), but otherwise preserves the integrity of the reading frame.